The following is an entry in ClinVar:

NM_001127511.3(APC):c.7G>A (p.Ala3Thr)

Gene: APC (APC regulator of Wnt signaling pathway; plus strand). Cytogenetic location: 5q22.2.
Variant type: single nucleotide variant.
Coding change: c.7G>A on transcript NM_001127511.3; coding-DNA position 7, G replaced by A.
Protein change: p.Ala3Thr; replaces alanine 3 with threonine.
Molecular consequence: missense variant. On other transcripts: intron variant (5), 5 prime UTR variant (8), non-coding transcript variant (1).
Genome position (GRCh38, 1-based): chr5:112,707,724, G>A. VCF-style: chr5-112707724-G-A. GRCh37 (hg19) VCF-style: chr5-112043421-G-A.
Other names: c.-19+75G>A (NM_001407448.1, NM_001407450.1, NM_001407457.1 and 1 more transcripts); c.-43+75G>A (NM_001407453.1); c.-177G>A (NM_001354895.2, NM_001407447.1, NM_001407452.1 and 3 more transcripts); c.7G>A, p.Ala3Thr (NM_001354897.2, NM_001354902.2, NM_001407446.1); c.-1212G>A (NM_001407470.1, NM_001407472.1); short protein forms A3T.
Identifiers: ClinVar variation 1021450 (VCV001021450.7), dbSNP rs1170818329, ClinGen allele CA360611560.

ClinVar aggregate classification (germline): Uncertain significance (1 of 4 stars; one submission).

Conditions:
Familial adenomatous polyposis 1 (FAP1). Also called: FAMILIAL ADENOMATOUS POLYPOSIS 1, ATTENUATED; POLYPOSIS, ADENOMATOUS INTESTINAL. Identifiers: MedGen C2713442, MONDO:0021056, OMIM 175100. Disease mechanism: loss of function.

Allele frequency attached by ClinVar (database versions not stated): gnomAD exomes 0.00001.
gnomAD v4.1: 3 of 1,370,614 alleles (0.00022%); highest among the groups gnomAD compares: East Asian, 0.01%; no homozygotes.

Submission:

Labcorp Genetics (formerly Invitae), Labcorp
Classification: Uncertain significance for Familial adenomatous polyposis 1. Last evaluated: 2024-02-01. Review status: criteria provided, single submitter. Criteria: Invitae Variant Classification Sherloc (09022015). Collection method: clinical testing. Allele origin: germline.
Comment: This variant occurs in a non-coding region of the APC gene. It does not change the encoded amino acid sequence of the APC protein. This variant is not present in population databases (gnomAD no frequency). This variant has not been reported in the literature in individuals affected with APC-related conditions. Experimental studies and prediction algorithms are not available or were not evaluated, and the functional significance of this variant is currently unknown. In summary, the available evidence is currently insufficient to determine the role of this variant in disease. Therefore, it has been classified as a Variant of Uncertain Significance.